The following is an entry in ClinVar:

ClinVar aggregate classification (germline): Likely benign (1 of 4 stars; one submission).

Allele frequency attached by ClinVar (database versions not stated): gnomAD exomes 0.00001; ExAC 0.00002.
gnomAD v4.1: 11 of 1,594,768 alleles (0.00069%); highest among the groups gnomAD compares: Non-Finnish European, 0.00094%; no homozygotes.

Submission:

CeGaT Center for Human Genetics Tuebingen
Classification: Likely benign. Last evaluated: 2023-07-01. Review status: criteria provided, single submitter. Criteria: CeGaT Center For Human Genetics Tuebingen Variant Classification Criteria Version 2. Collection method: clinical testing. Allele origin: germline. Affected: yes. Observed: 1 variant allele.
Comment: ZFPM2: BP4

NM_012082.4(ZFPM2):c.3208G>A (p.Glu1070Lys)

Genes: ZFPM2 (zinc finger protein, FOG family member 2; plus strand), ZFPM2-AS1 (ZFPM2 antisense RNA 1; minus strand), LOC126860469 (BRD4-independent group 4 enhancer GRCh37_chr8:106814445-106815644; plus strand). Cytogenetic location: 8q23.1.
Variant type: single nucleotide variant.
Coding change: c.3208G>A on transcript NM_012082.4 (MANE Select); coding-DNA position 3208, G replaced by A.
Protein change: p.Glu1070Lys; replaces glutamic acid 1070 with lysine.
Molecular consequence: missense variant.
Genome position (GRCh38, 1-based): chr8:105,803,290, G>A. VCF-style: chr8-105803290-G-A. GRCh37 (hg19) VCF-style: chr8-106815518-G-A.
Other names: c.3049G>A, p.Glu1017Lys (NM_001362836.2); c.2812G>A, p.Glu938Lys (NM_001362837.2); short protein forms E1017K, E1070K, E938K.
Identifiers: ClinVar variation 2658744 (VCV002658744.24), dbSNP rs759676967, ClinGen allele CA4840035.